The following is an entry in ClinVar:

NM_000399.5(EGR2):c.776C>T (p.Pro259Leu)

Gene: EGR2 (early growth response 2; minus strand). Cytogenetic location: 10q21.3.
Variant type: single nucleotide variant.
Coding change: c.776C>T on transcript NM_000399.5 (MANE Select); coding-DNA position 776, C replaced by T.
Protein change: p.Pro259Leu; replaces proline 259 with leucine.
Molecular consequence: missense variant.
Genome position (GRCh38, 1-based): chr10:62,813,862, G>A on the plus strand (C>T on the coding strand, the complement: EGR2 is on the minus strand). VCF-style: chr10-62813862-G-A. GRCh37 (hg19) VCF-style: chr10-64573622-G-A.
Other names: c.776C>T, p.Pro259Leu (NM_001136177.3, NM_001136178.2); c.626C>T, p.Pro209Leu (NM_001136179.3, NM_001321037.2); c.815C>T, p.Pro272Leu (NM_001410931.1); short protein forms P259L, P272L, P209L.
Identifiers: ClinVar variation 3669833 (VCV003669833.2).
Genomic context (GRCh38, chr10:62,813,862, plus strand): 5'-CCAGCACTGGGGCCCCCCAGGGTAAAGTTACGGATTGTAGAGAGTGGAGTGAGTGGAGGG[G>A]GCACCCGCAGGGTGTCCAGTGGGCAGGGAAAGGGCTTACGGTCTGGGCCAGCTGTACCAT-3'
Protein context (NP_000390.2, residues 249-269): FPCPLDTLRV[Pro259Leu]PPLTPLSTIR

ClinVar aggregate classification (germline): Uncertain significance (1 of 4 stars; one submission).

Conditions:
Charcot-Marie-Tooth disease, type I (CMT1). Also called: Charcot-Marie-Tooth disease type 1; Charcot-Marie-Tooth, Type 1. Identifiers: Orphanet 65753, MedGen C0751036, MONDO:0019011.

Submission:

Labcorp Genetics (formerly Invitae), Labcorp
Classification: Uncertain significance for Charcot-Marie-Tooth disease, type I. Last evaluated: 2024-05-31. Review status: criteria provided, single submitter. Criteria: Invitae Variant Classification Sherloc (09022015). Collection method: clinical testing. Allele origin: germline.
Comment: This sequence change replaces proline, which is neutral and non-polar, with leucine, which is neutral and non-polar, at codon 259 of the EGR2 protein (p.Pro259Leu). This variant is not present in population databases (gnomAD no frequency). This variant has not been reported in the literature in individuals affected with EGR2-related conditions. Advanced modeling of protein sequence and biophysical properties (such as structural, functional, and spatial information, amino acid conservation, physicochemical variation, residue mobility, and thermodynamic stability) has been performed at Invitae for this missense variant, however the output from this modeling did not meet the statistical confidence thresholds required to predict the impact of this variant on EGR2 protein function. In summary, the available evidence is currently insufficient to determine the role of this variant in disease. Therefore, it has been classified as a Variant of Uncertain Significance.